The following is an entry in ClinVar:

ClinVar aggregate classification (germline): Likely pathogenic (1 of 4 stars; one submission).

Conditions:
Kugelberg-Welander disease (SMA3). Also called: SPINAL MUSCULAR ATROPHY, TYPE III; Juvenile Spinal Muscular Atrophy; SMA III; SPINAL MUSCULAR ATROPHY, MILD CHILDHOOD AND ADOLESCENT FORM; KUGELBERG-WELANDER SYNDROME; MUSCULAR ATROPHY, JUVENILE. Identifiers: Orphanet 70, Orphanet 83419, MedGen C0152109, MONDO:0009672, OMIM 253400.

Submission:

DNA-diagnostics Laboratory, Research Centre For Medical Genetics
Classification: Likely pathogenic for Kugelberg-Welander disease. Last evaluated: 2024-06-04. Review status: criteria provided, single submitter. Criteria: ACMG Guidelines, 2015. Collection method: clinical testing. Allele origin: maternal. Inheritance: Autosomal recessive inheritance. Affected: yes.
Comment: The p.Ser270Gly variant in the SMN1 gene fulfils the ACMG criteria: PM2, PP3, PM1, PP2, PM3

NM_000344.4(SMN1):c.808A>G (p.Ser270Gly)

Gene: SMN1 (survival of motor neuron 1, telomeric). Cytogenetic location: 5q13.2.
Variant type: single nucleotide variant.
Coding change: c.808A>G on transcript NM_000344.4 (MANE Select); coding-DNA position 808, A replaced by G.
Protein change: p.Ser270Gly; replaces serine 270 with glycine.
Molecular consequence: missense variant.
Genome position (GRCh38, 1-based): chr5:70,946,150, A>G. VCF-style: chr5-70946150-A-G. GRCh37 (hg19) VCF-style: chr5-70241977-A-G.
Other names: c.808A>G, p.Ser270Gly (NM_001297715.1); c.712A>G, p.Ser238Gly (NM_022874.2); short protein forms S238G, S270G.
Identifiers: ClinVar variation 3239712 (VCV003239712.1), dbSNP rs2532126565.